The following is an entry in ClinVar:

ClinVar aggregate classification (germline): Uncertain significance (1 of 4 stars; one submission).

Submission:

Ambry Genetics
Classification: Uncertain significance. Last evaluated: 2024-05-19. Review status: criteria provided, single submitter. Criteria: Ambry Variant Classification Scheme 2023. Collection method: clinical testing. Allele origin: germline.
Comment: The p.K602I variant (also known as c.1805A>T), located in coding exon 1 of the MLH3 gene, results from an A to T substitution at nucleotide position 1805. The lysine at codon 602 is replaced by isoleucine, an amino acid with dissimilar properties. This amino acid position is conserved. In addition, this alteration is predicted to be tolerated by in silico analysis. Based on the available evidence, the clinical significance of this variant remains unclear.

NM_001040108.2(MLH3):c.1805A>T (p.Lys602Ile)

Gene: MLH3 (mutL homolog 3; minus strand). Cytogenetic location: 14q24.3.
Variant type: single nucleotide variant.
Coding change: c.1805A>T on transcript NM_001040108.2 (MANE Select); coding-DNA position 1805, A replaced by T.
Protein change: p.Lys602Ile; replaces lysine 602 with isoleucine.
Molecular consequence: missense variant.
Genome position (GRCh38, 1-based): chr14:75,047,851, T>A on the plus strand (A>T on the coding strand, the complement: MLH3 is on the minus strand). VCF-style: chr14-75047851-T-A. GRCh37 (hg19) VCF-style: chr14-75514554-T-A.
Other names: c.1805A>T, p.Lys602Ile (NM_014381.3); short protein forms K602I.
Identifiers: ClinVar variation 3295144 (VCV003295144.1).